The following is an entry in ClinVar:

ClinVar aggregate classification (germline): Uncertain significance (1 of 4 stars; one submission).

Conditions:
Generalized epilepsy-paroxysmal dyskinesia syndrome (PNKD3). Also called: Generalized epilepsy and paroxysmal dyskinesia; Paroxysmal nonkinesigenic dyskinesia, 3, with or without generalized epilepsy. Identifiers: Orphanet 79137, MedGen C5574945, MONDO:0012276, OMIM 609446.

gnomAD v4.1: 2 of 1,613,884 alleles (0.00012%); highest among the groups gnomAD compares: Non-Finnish European, 0.00017%; no homozygotes.

Submission:

Labcorp Genetics (formerly Invitae), Labcorp
Classification: Uncertain significance for Generalized epilepsy-paroxysmal dyskinesia syndrome. Last evaluated: 2025-06-16. Review status: criteria provided, single submitter. Criteria: Invitae Variant Classification Sherloc (09022015). Collection method: clinical testing. Allele origin: germline.
Comment: This sequence change replaces proline, which is neutral and non-polar, with threonine, which is neutral and polar, at codon 1031 of the KCNMA1 protein (p.Pro1031Thr). This variant is present in population databases (rs761366908, gnomAD 0.006%). This variant has not been reported in the literature in individuals affected with KCNMA1-related conditions. An algorithm developed to predict the effect of missense changes on protein structure and function (PolyPhen-2) suggests that this variant is likely to be tolerated. In summary, the available evidence is currently insufficient to determine the role of this variant in disease. Therefore, it has been classified as a Variant of Uncertain Significance.

NM_001161352.2(KCNMA1):c.3265C>A (p.Pro1089Thr)

Genes: KCNMA1-AS1 (KCNMA1 antisense RNA 1; plus strand), KCNMA1 (potassium calcium-activated channel subfamily M alpha 1; minus strand). Cytogenetic location: 10q22.3.
Variant type: single nucleotide variant.
Coding change: c.3265C>A on transcript NM_001161352.2 (MANE Select); coding-DNA position 3265, C replaced by A.
Protein change: p.Pro1089Thr; replaces proline 1089 with threonine.
Molecular consequence: missense variant.
Genome position (GRCh38, 1-based): chr10:76,891,602, G>T on the plus strand (C>A on the coding strand, the complement: KCNMA1 is on the minus strand). VCF-style: chr10-76891602-G-T. GRCh37 (hg19) VCF-style: chr10-78651360-G-T.
Other names: c.3103C>A, p.Pro1035Thr (NM_001014797.3); c.3214C>A, p.Pro1072Thr (NM_001161353.2); c.2941C>A, p.Pro981Thr (NM_001271518.2); c.3181C>A, p.Pro1061Thr (NM_001271519.2); c.3100C>A, p.Pro1034Thr (NM_001322829.2, NM_001322836.2); c.3193C>A, p.Pro1065Thr (NM_001322830.2); c.3091C>A, p.Pro1031Thr (NM_001322832.2, NM_001410940.1, NM_002247.4); c.3184C>A, p.Pro1062Thr (NM_001322835.2, NM_001322837.2); and 3 more; short protein forms P1034T, P1065T, P1075T, P880T, P981T, P1061T, P1062T, P1035T.
Identifiers: ClinVar variation 4767440 (VCV004767440.1).